The following is an entry in ClinVar:

NM_024675.4(PALB2):c.3260G>T (p.Ser1087Ile)

Gene: PALB2 (partner and localizer of BRCA2; minus strand). Cytogenetic location: 16p12.2.
Variant type: single nucleotide variant.
Coding change: c.3260G>T on transcript NM_024675.4 (MANE Select); coding-DNA position 3260, G replaced by T.
Protein change: p.Ser1087Ile; replaces serine 1087 with isoleucine.
Molecular consequence: missense variant. On other transcripts: intron variant (8).
Genome position (GRCh38, 1-based): chr16:23,607,954, C>A on the plus strand (G>T on the coding strand, the complement: PALB2 is on the minus strand). VCF-style: chr16-23607954-C-A. GRCh37 (hg19) VCF-style: chr16-23619275-C-A.
Other names: c.3200G>T, p.Ser1067Ile (NM_001407296.1); c.3188G>T, p.Ser1063Ile (NM_001407297.1); c.3098G>T, p.Ser1033Ile (NM_001407298.1); c.2981G>T, p.Ser994Ile (NM_001407300.1); c.2375G>T, p.Ser792Ile (NM_001407304.1, NM_001407305.1, NM_001407306.1); c.2213G>T, p.Ser738Ile (NM_001407307.1); c.1472G>T, p.Ser491Ile (NM_001407312.1); c.794G>T, p.Ser265Ile (NM_001407314.1); and 6 more; short protein forms S1063I, S1087I, S738I, S792I, S265I, S491I, S1033I, S1067I.
Identifiers: ClinVar variation 4664318 (VCV004664318.1).

ClinVar aggregate classification (germline): Uncertain significance (1 of 4 stars; one submission).

Conditions:
Hereditary cancer-predisposing syndrome. Also called: Neoplastic Syndromes, Hereditary; Tumor predisposition; Hereditary Cancer Syndrome; Hereditary neoplastic syndrome. Identifiers: Orphanet 140162, MedGen C0027672, MeSH D009386, MONDO:0015356.

gnomAD v4.1: 1 of 1,614,086 alleles (0.000062%); highest among the groups gnomAD compares: Non-Finnish European, 0.000085%; no homozygotes.

Submission:

Ambry Genetics
Classification: Uncertain significance for Hereditary cancer-predisposing syndrome. Last evaluated: 2025-12-13. Review status: criteria provided, single submitter. Criteria: Ambry Variant Classification Scheme 2023. Collection method: clinical testing. Allele origin: germline.
Comment: The p.S1087I variant (also known as c.3260G>T), located in coding exon 12 of the PALB2 gene, results from a G to T substitution at nucleotide position 3260. The serine at codon 1087 is replaced by isoleucine, an amino acid with dissimilar properties. This amino acid position is conserved. In addition, this alteration is predicted to be tolerated by in silico analysis. Based on the available evidence, the clinical significance of this variant remains unclear.